The following is an entry in ClinVar:

NM_002470.4(MYH3):c.1069G>A (p.Val357Met)

Gene: MYH3 (myosin heavy chain 3; minus strand). Cytogenetic location: 17p13.1.
Variant type: single nucleotide variant.
Coding change: c.1069G>A on transcript NM_002470.4 (MANE Select); coding-DNA position 1069, G replaced by A.
Protein change: p.Val357Met; replaces valine 357 with methionine.
Molecular consequence: missense variant.
Genome position (GRCh38, 1-based): chr17:10,645,779, C>T on the plus strand (G>A on the coding strand, the complement: MYH3 is on the minus strand). VCF-style: chr17-10645779-C-T. GRCh37 (hg19) VCF-style: chr17-10549096-C-T.
Other names: short protein forms V357M.
Identifiers: ClinVar variation 2073640 (VCV002073640.5), dbSNP rs758592875, ClinGen allele CA8393088.

ClinVar aggregate classification (germline): Uncertain significance. Review status: criteria provided, multiple submitters, no conflicts (2 of 4 stars). 2 submissions from 2 submitters: Uncertain significance (2). Last evaluated 2026-01-06.

Allele frequency attached by ClinVar (database versions not stated): gnomAD 0.00003; TOPMed 0.00003; ExAC 0.00004.

Submissions (2):

Women's Health and Genetics/Laboratory Corporation of America, LabCorp
Classification: Uncertain significance. Last evaluated: 2026-01-06. Review status: criteria provided, single submitter. Criteria: LabCorp Variant Classification Summary - May 2015. Collection method: clinical testing. Allele origin: germline.
Comment: Variant summary: MYH3 c.1069G>A (p.Val357Met) results in a conservative amino acid change in the encoded protein sequence. Algorithms developed to predict the effect of missense changes on protein structure and function are either unavailable or do not agree on the potential impact of this missense change. The variant allele was found at a frequency of 2.4e-05 in 251412 control chromosomes. The available data on variant occurrences in the general population are insufficient to allow any conclusion about variant significance. To our knowledge, no occurrence of c.1069G>A in individuals affected with MYH3-related conditions and no experimental evidence demonstrating its impact on protein function have been reported. ClinVar contains an entry for this variant (Variation ID: 2073640). Based on the evidence outlined above, the variant was classified as uncertain significance.

Labcorp Genetics (formerly Invitae), Labcorp
Classification: Uncertain significance. Last evaluated: 2025-11-10. Review status: criteria provided, single submitter. Criteria: Invitae Variant Classification Sherloc (09022015). Collection method: clinical testing. Allele origin: germline.
Comment: This sequence change replaces valine, which is neutral and non-polar, with methionine, which is neutral and non-polar, at codon 357 of the MYH3 protein (p.Val357Met). This variant is present in population databases (rs758592875, gnomAD 0.004%). This variant has not been reported in the literature in individuals affected with MYH3-related conditions. ClinVar contains an entry for this variant (Variation ID: 2073640). Invitae Evidence Modeling of protein sequence and biophysical properties (such as structural, functional, and spatial information, amino acid conservation, physicochemical variation, residue mobility, and thermodynamic stability) indicates that this missense variant is not expected to disrupt MYH3 protein function with a negative predictive value of 95%. In summary, the available evidence is currently insufficient to determine the role of this variant in disease. Therefore, it has been classified as a Variant of Uncertain Significance.